The following is an entry in ClinVar:

NM_002778.4(PSAP):c.1022C>T (p.Ala341Val)

Gene: PSAP (prosaposin; minus strand). Cytogenetic location: 10q22.1.
Variant type: single nucleotide variant.
Coding change: c.1022C>T on transcript NM_002778.4 (MANE Select); coding-DNA position 1022, C replaced by T.
Protein change: p.Ala341Val; replaces alanine 341 with valine.
Molecular consequence: missense variant.
Genome position (GRCh38, 1-based): chr10:71,819,884, G>A on the plus strand (C>T on the coding strand, the complement: PSAP is on the minus strand). VCF-style: chr10-71819884-G-A. GRCh37 (hg19) VCF-style: chr10-73579641-G-A.
Other names: c.1031C>T, p.Ala344Val (NM_001042465.3); c.1028C>T, p.Ala343Val (NM_001042466.3); short protein forms A341V, A343V, A344V.
Identifiers: ClinVar variation 4535002 (VCV004535002.6).

ClinVar aggregate classification (germline): Uncertain significance (1 of 4 stars; one submission).

gnomAD v4.1: 2 of 1,614,166 alleles (0.00012%); highest among the groups gnomAD compares: East Asian, 0.0045%; no homozygotes.

Submission:

CeGaT Center for Human Genetics Tuebingen
Classification: Uncertain significance. Last evaluated: 2025-10-01. Review status: criteria provided, single submitter. Criteria: CeGaT Center For Human Genetics Tuebingen Variant Classification Criteria Version 2. Collection method: clinical testing. Allele origin: germline. Affected: yes. Observed: 1 variant allele.
Comment: PSAP: PM2, BP4